The following is an entry in ClinVar:

ClinVar aggregate classification (germline): Benign/Likely benign. Review status: criteria provided, multiple submitters, no conflicts (2 of 4 stars). 8 submissions from 8 submitters: Benign (1); Likely benign (6). 1 of the submissions does not count toward it. Last evaluated 2025-11-19.

Conditions:
APC-related disorder. Also called: APC-related condition.
Classic or attenuated familial adenomatous polyposis. Identifiers: MedGen CN372698, MONDO:0021057.
Hereditary cancer-predisposing syndrome. Also called: Hereditary neoplastic syndrome; Neoplastic Syndromes, Hereditary; Tumor predisposition; Hereditary Cancer Syndrome. Identifiers: Orphanet 140162, MedGen C0027672, MeSH D009386, MONDO:0015356.
Familial adenomatous polyposis 1 (FAP1). Also called: FAMILIAL ADENOMATOUS POLYPOSIS 1, ATTENUATED; POLYPOSIS, ADENOMATOUS INTESTINAL. Identifiers: MedGen C2713442, MONDO:0021056, OMIM 175100. Disease mechanism: loss of function.

Allele frequency attached by ClinVar (database versions not stated): gnomAD exomes below 0.00001 and 0.00001; ExAC 0.00001; gnomAD 0.00003 and 0.00006; TOPMed 0.00003.
gnomAD v4.1: 8 of 1,614,010 alleles (0.0005%); highest among the groups gnomAD compares: African/African-American, 0.0093%; no homozygotes.

Submissions (8):

Labcorp Genetics (formerly Invitae), Labcorp
Classification: Likely benign for Familial adenomatous polyposis 1. Last evaluated: 2025-11-19. Review status: criteria provided, single submitter. Criteria: Invitae Variant Classification Sherloc (09022015). Collection method: clinical testing. Allele origin: germline.

Myriad Genetics, Inc.
Classification: Benign for Familial adenomatous polyposis 1. Last evaluated: 2024-03-08. Review status: criteria provided, single submitter. Criteria: Myriad Autosomal Dominant, Autosomal Recessive and X-Linked Classification Criteria (2023). Collection method: clinical testing. Allele origin: unknown.
Comment: This variant is considered benign. This variant is a silent/synonymous amino acid change and it is not expected to impact splicing.

All of Us Research Program, National Institutes of Health
Classification: Likely benign for Classic or attenuated familial adenomatous polyposis. Last evaluated: 2024-02-05. Review status: criteria provided, single submitter. Criteria: ACMG Guidelines, 2015. Collection method: clinical testing. Allele origin: germline. Inheritance: Autosomal dominant inheritance. Observed: 3 variant alleles, 3 heterozygotes.
Comment: This study involves interpretation of variants in research participants for the purpose of population health screening. Participant phenotype was not available at the time of variant classification. Additional details can be found in publication PMID: 35346344, PMCID: PMC8962531

Sema4
Classification: Likely benign for Hereditary cancer-predisposing syndrome. Last evaluated: 2021-12-09. Review status: criteria provided, single submitter. Criteria: Sema4 Curation Guidelines. Collection method: curation. Allele origin: germline.

Women's Health and Genetics/Laboratory Corporation of America, LabCorp
Classification: Likely benign. Last evaluated: 2019-10-03. Review status: criteria provided, single submitter. Criteria: LabCorp Variant Classification Summary - May 2015. Collection method: clinical testing. Allele origin: germline.

Color Diagnostics, LLC DBA Color Health
Classification: Likely benign for Hereditary cancer-predisposing syndrome. Last evaluated: 2016-06-16. Review status: criteria provided, single submitter. Criteria: ACMG Guidelines, 2015. Collection method: clinical testing. Allele origin: germline.

Ambry Genetics
Classification: Likely benign for Hereditary cancer-predisposing syndrome. Last evaluated: 2014-07-25. Review status: criteria provided, single submitter. Criteria: Ambry Variant Classification Scheme 2023. Collection method: clinical testing. Allele origin: germline.

PreventionGenetics, part of Exact Sciences
Classification: Likely benign for APC-related condition. Last evaluated: 2019-05-24. Review status: no assertion criteria provided. Collection method: clinical testing. Allele origin: germline. Not counted in ClinVar's aggregate classification.
Comment: This variant is classified as likely benign based on ACMG/AMP sequence variant interpretation guidelines (Richards et al. 2015 PMID: 25741868, with internal and published modifications).

NM_000038.6(APC):c.2148A>G (p.Lys716=)

Gene: APC (APC regulator of Wnt signaling pathway; plus strand). Cytogenetic location: 5q22.2.
Variant type: single nucleotide variant.
Coding change: c.2148A>G on transcript NM_000038.6 (MANE Select); coding-DNA position 2148, A replaced by G.
Protein change: p.Lys716=; no amino-acid change (lysine 716 retained).
Molecular consequence: synonymous variant.
Genome position (GRCh38, 1-based): chr5:112,837,742, A>G. VCF-style: chr5-112837742-A-G. GRCh37 (hg19) VCF-style: chr5-112173439-A-G.
Other names: c.2148A>G, p.Lys716= (NM_001127510.3, NM_001354895.2); c.2094A>G, p.Lys698= (NM_001127511.3); c.2202A>G, p.Lys734= (NM_001354896.2); c.2178A>G, p.Lys726= (NM_001354897.2); c.2073A>G, p.Lys691= (NM_001354898.2); c.2064A>G, p.Lys688= (NM_001354899.2); c.2025A>G, p.Lys675= (NM_001354900.2); c.1971A>G, p.Lys657= (NM_001354901.2); and 5 more.
Identifiers: ClinVar variation 185647 (VCV000185647.22), dbSNP rs764733890, ClinGen allele CA007228.